The following is an entry in ClinVar:

NM_007254.4(PNKP):c.1314_1322dup (p.Arg439_Ala441dup)

Gene: PNKP (polynucleotide kinase 3'-phosphatase; minus strand). Cytogenetic location: 19q13.33.
Variant type: Duplication.
Coding change: c.1314_1322dup on transcript NM_007254.4 (MANE Select); coding-DNA positions 1314 to 1322, 9 bases duplicated (CCGAGCCGC; older notation c.1314_1322dupCCGAGCCGC).
Protein change: p.Arg439_Ala441dup.
Molecular consequence: inframe insertion.
Genome position (GRCh38, 1-based): chr19:49,861,672-49,861,680, GCGGCTCGG duplicated on the plus strand (CCGAGCCGC on the coding strand, the reverse complement: PNKP is on the minus strand); duplicating any 9 consecutive bases within chr19:49,861,672-49,861,682 gives the same sequence; the c. name uses the placement nearest the transcript's 3' end. VCF-style (leftmost placement, unchanged base first): chr19-49861671-C-CGCGGCTCGG. GRCh37 (hg19) VCF-style: chr19-50364928-C-CGCGGCTCGG.
Identifiers: ClinVar variation 1382134 (VCV001382134.6), dbSNP rs2122319196, ClinGen allele CA2573156612.

ClinVar aggregate classification (germline): Uncertain significance (1 of 4 stars; one submission).

Conditions:
Developmental and epileptic encephalopathy, 12 (DEE12). Identifiers: MedGen C3150988, MONDO:0013389, OMIM 613722.

Submission:

Labcorp Genetics (formerly Invitae), Labcorp
Classification: Uncertain significance for Developmental and epileptic encephalopathy, 12. Last evaluated: 2021-09-18. Review status: criteria provided, single submitter. Criteria: Invitae Variant Classification Sherloc (09022015). Collection method: clinical testing. Allele origin: germline.
Comment: Experimental studies and prediction algorithms are not available or were not evaluated, and the functional significance of this variant is currently unknown. This variant has not been reported in the literature in individuals affected with PNKP-related conditions. The frequency data for this variant in the population databases is considered unreliable, as metrics indicate insufficient coverage at this position in the ExAC database. This variant, c.1314_1322dup, results in the insertion of 3 amino acid(s) to the PNKP protein (p.Arg439_Ala441dup), but otherwise preserves the integrity of the reading frame. In summary, the available evidence is currently insufficient to determine the role of this variant in disease. Therefore, it has been classified as a Variant of Uncertain Significance.